The following is an entry in ClinVar:

NM_000424.4(KRT5):c.519G>C (p.Lys173Asn)

Gene: KRT5 (keratin 5; minus strand). Cytogenetic location: 12q13.13.
Variant type: single nucleotide variant.
Coding change: c.519G>C on transcript NM_000424.4 (MANE Select); coding-DNA position 519, G replaced by C.
Protein change: p.Lys173Asn; replaces lysine 173 with asparagine.
Molecular consequence: missense variant.
Genome position (GRCh38, 1-based): chr12:52,519,778, C>G on the plus strand (G>C on the coding strand, the complement: KRT5 is on the minus strand). VCF-style: chr12-52519778-C-G. GRCh37 (hg19) VCF-style: chr12-52913562-C-G.
Other names: short protein forms K173N.
Identifiers: ClinVar variation 14643 (VCV000014643.10), dbSNP rs58163069, ClinGen allele CA216738.
Genomic context (GRCh38, chr12:52,519,778, plus strand): 5'-TTTTTACAAAAGATCGTAGCTCACCTTGTCGATGAAGGAGGCAAACTTATTGTTGAGGGT[C>G]TTGATCTGCTCGCGCTCCTCGGTCCTCACCCTCTGGATGCTGGGGTCGATTTGCAGGTTG-3'
Protein context (NP_000415.2, residues 163-183): RVRTEEREQI[Lys173Asn]TLNNKFASFI

ClinVar aggregate classification (germline): Pathogenic. Review status: criteria provided, multiple submitters, no conflicts (2 of 4 stars). 4 submissions from 4 submitters: Pathogenic (2). 2 of the submissions do not count toward it. Last evaluated 2026-03-13.

Conditions:
KRT5-related disorder. Also called: KRT5-related condition.
Epidermolysis bullosa simplex 2B, generalized intermediate (EBS2B). Also called: Epidermolysis bullosa simplex 2B, Koebner type. Identifiers: MedGen C5562009, MONDO:0030525, OMIM 619588.

Submissions (4):

PreventionGenetics, part of Exact Sciences
Classification: Pathogenic for KRT5-related condition. Last evaluated: 2026-03-13. Review status: criteria provided, single submitter. Criteria: ACMG Guidelines, 2015. Collection method: clinical testing. Allele origin: germline.
Comment: The KRT5 c.519G>C variant is predicted to result in the amino acid substitution p.Lys173Asn. This variant has been reported in a large family with 39 individuals that presented with epidermolysis bullosa simplex (Stephens et al. 1995. PubMed ID: 7534039). The variant segregated with disease in all 39 affected family members and was absent from the six unaffected family members tested. This variant has not been reported in a large population database (gnomAD), indicating this variant is rare. This variant is interpreted as pathogenic.

Labcorp Genetics (formerly Invitae), Labcorp
Classification: Pathogenic. Last evaluated: 2021-07-28. Review status: criteria provided, single submitter. Criteria: Invitae Variant Classification Sherloc (09022015). Collection method: clinical testing. Allele origin: germline.
Comment: This missense change has been observed in individual(s) with autosomal dominant epidermolysis bullosa simplex (PMID: 7534039). It has also been observed to segregate with disease in related individuals. For these reasons, this variant has been classified as Pathogenic. Advanced modeling of protein sequence and biophysical properties (such as structural, functional, and spatial information, amino acid conservation, physicochemical variation, residue mobility, and thermodynamic stability) performed at Invitae indicates that this missense variant is expected to disrupt KRT5 protein function. ClinVar contains an entry for this variant (Variation ID: 14643). This variant is not present in population databases (ExAC no frequency). This sequence change replaces lysine with asparagine at codon 173 of the KRT5 protein (p.Lys173Asn). The lysine residue is highly conserved and there is a moderate physicochemical difference between lysine and asparagine.

OMIM
Classification: Pathogenic for EPIDERMOLYSIS BULLOSA SIMPLEX 2B, GENERALIZED INTERMEDIATE. Last evaluated: 1995-03-01. Review status: no assertion criteria provided. Collection method: literature only. Allele origin: germline. Not counted in ClinVar's aggregate classification.

Epithelial Biology;  Institute of Medical Biology, Singapore
No classification provided. Review status: no classification provided. Collection method: not provided. Allele origin: not provided. Not counted in ClinVar's aggregate classification.

Literature cited by the submitters: PubMed 7534039 (cited by Labcorp Genetics (formerly Invitae), Labcorp and OMIM).